The following is an entry in ClinVar:

ClinVar aggregate classification (germline): Uncertain significance (1 of 4 stars; one submission).

Conditions:
Developmental and epileptic encephalopathy 94 (DEE94). Also called: Epileptic encephalopathy, childhood-onset; CHD2-Related Neurodevelopmental Disorders. Identifiers: Orphanet 1942, Orphanet 2382, MedGen C3809278, MONDO:0014150, OMIM 615369.

Submission:

Labcorp Genetics (formerly Invitae), Labcorp
Classification: Uncertain significance for Developmental and epileptic encephalopathy 94. Last evaluated: 2022-07-05. Review status: criteria provided, single submitter. Criteria: Invitae Variant Classification Sherloc (09022015). Collection method: clinical testing. Allele origin: germline.
Comment: In summary, the available evidence is currently insufficient to determine the role of this variant in disease. Therefore, it has been classified as a Variant of Uncertain Significance. Algorithms developed to predict the effect of missense changes on protein structure and function are either unavailable or do not agree on the potential impact of this missense change (SIFT: "Deleterious"; PolyPhen-2: "Probably Damaging"; Align-GVGD: "Class C0"). ClinVar contains an entry for this variant (Variation ID: 1414215). This variant has not been reported in the literature in individuals affected with CHD2-related conditions. This variant is not present in population databases (gnomAD no frequency). This sequence change replaces threonine, which is neutral and polar, with isoleucine, which is neutral and non-polar, at codon 1541 of the CHD2 protein (p.Thr1541Ile).

NM_001271.4(CHD2):c.4622C>T (p.Thr1541Ile)

Gene: CHD2 (chromodomain helicase DNA binding protein 2; plus strand). Cytogenetic location: 15q26.1.
Variant type: single nucleotide variant.
Coding change: c.4622C>T on transcript NM_001271.4 (MANE Select); coding-DNA position 4622, C replaced by T.
Protein change: p.Thr1541Ile; replaces threonine 1541 with isoleucine.
Molecular consequence: missense variant.
Genome position (GRCh38, 1-based): chr15:93,012,374, C>T. VCF-style: chr15-93012374-C-T. GRCh37 (hg19) VCF-style: chr15-93555604-C-T.
Other names: short protein forms T1541I.
Identifiers: ClinVar variation 1414215 (VCV001414215.8), dbSNP rs2141885433, ClinGen allele CA393905065.